The following is an entry in ClinVar:

NM_004960.4(FUS):c.1067-5T>C

Gene: FUS (FUS RNA binding protein; plus strand). Cytogenetic location: 16p11.2.
Variant type: single nucleotide variant.
Coding change: c.1067-5T>C on transcript NM_004960.4 (MANE Select); 5 bases into the intron before coding-DNA position 1067, T replaced by C.
Molecular consequence: intron variant.
Genome position (GRCh38, 1-based): chr16:31,190,035, T>C. VCF-style: chr16-31190035-T-C. GRCh37 (hg19) VCF-style: chr16-31201356-T-C.
Other names: c.1055-5T>C (NM_001170937.1); c.1064-5T>C (NM_001170634.1).
Identifiers: ClinVar variation 4980123 (VCV004980123.1).

ClinVar aggregate classification (germline): Likely benign (1 of 4 stars; one submission).

Conditions:
FUS-related disorder. Also called: FUS-related condition.

gnomAD v4.1: 9 of 1,609,108 alleles (0.00056%); highest among the groups gnomAD compares: Admixed American, 0.014%; no homozygotes.

Submission:

PreventionGenetics, part of Exact Sciences
Classification: Likely benign for FUS-related condition. Last evaluated: 2025-12-02. Review status: criteria provided, single submitter. Criteria: ACMG Guidelines, 2015. Collection method: clinical testing. Allele origin: germline.
Comment: This variant is classified as likely benign based on ACMG/AMP sequence variant interpretation guidelines (Richards et al. 2015 PMID: 25741868, with internal and published modifications).